The following is an entry in ClinVar:

NM_005428.4(VAV1):c.2532C>T (p.Tyr844=)

Gene: VAV1 (vav guanine nucleotide exchange factor 1; plus strand). Cytogenetic location: 19p13.3.
Variant type: single nucleotide variant.
Coding change: c.2532C>T on transcript NM_005428.4 (MANE Select); coding-DNA position 2532, C replaced by T.
Protein change: p.Tyr844=; no amino-acid change (tyrosine 844 retained).
Molecular consequence: synonymous variant.
Genome position (GRCh38, 1-based): chr19:6,857,101, C>T. VCF-style: chr19-6857101-C-T. GRCh37 (hg19) VCF-style: chr19-6857112-C-T.
Other names: c.2466C>T, p.Tyr822= (NM_001258206.2); c.2436C>T, p.Tyr812= (NM_001258207.2).
Identifiers: ClinVar variation 618482 (VCV000618482.16), dbSNP rs373692240, ClinGen allele CA304827529.

ClinVar aggregate classification (germline): Likely benign. Review status: criteria provided, multiple submitters, no conflicts (2 of 4 stars). 2 submissions from 2 submitters: Likely benign (2). Last evaluated 2025-08-12.

Allele frequency attached by ClinVar (database versions not stated): gnomAD exomes below 0.00001; TOPMed 0.00001; ESP Exome Variant Server 0.00008.
gnomAD v4.1: 6 of 1,614,150 alleles (0.00037%); highest among the groups gnomAD compares: African/African-American, 0.0027%; no homozygotes.

Submissions (2):

Labcorp Genetics (formerly Invitae), Labcorp
Classification: Likely benign. Last evaluated: 2025-08-12. Review status: criteria provided, single submitter. Criteria: Invitae Variant Classification Sherloc (09022015). Collection method: clinical testing. Allele origin: germline.

ARUP Laboratories, Molecular Genetics and Genomics, ARUP Laboratories
Classification: Likely benign. Last evaluated: 2018-03-20. Review status: criteria provided, single submitter. Criteria: ARUP Molecular Germline Variant Investigation Process. Collection method: clinical testing. Allele origin: germline.
Comment: The c.2532C>T; p.Tyr844Tyr variant (rs373692240) does not alter the amino acid sequence of the VAV1 protein and computational splice site prediction algorithms do not predict a change in the nearest splice site or creation of a cryptic splice site. This variant has not been reported in association with immunodeficiency in medical literature or in gene specific variation databases. This variant is listed in the genome Aggregation Database (gnomAD) with an overall population frequency of 0.0004% (identified on 1 out of 245,328 chromosomes). Based on the available information, the c.2532C>T variant is likely to be benign.